The following is an entry in ClinVar:

ClinVar aggregate classification (germline): Uncertain significance. Review status: criteria provided, multiple submitters, no conflicts (2 of 4 stars). 4 submissions from 4 submitters: Uncertain significance (4). Last evaluated 2025-12-10.

Conditions:
Familial adenomatous polyposis 1 (FAP1). Also called: FAMILIAL ADENOMATOUS POLYPOSIS 1, ATTENUATED; POLYPOSIS, ADENOMATOUS INTESTINAL. Identifiers: MedGen C2713442, MONDO:0021056, OMIM 175100. Disease mechanism: loss of function.
Hereditary cancer-predisposing syndrome. Also called: Tumor predisposition; Hereditary neoplastic syndrome; Neoplastic Syndromes, Hereditary; Hereditary Cancer Syndrome. Identifiers: Orphanet 140162, MedGen C0027672, MeSH D009386, MONDO:0015356.

Allele frequency attached by ClinVar (database versions not stated): gnomAD 0.00001; TOPMed 0.00001.
gnomAD v4.1: 1 of 1,608,788 alleles (0.000062%); highest among the groups gnomAD compares: Non-Finnish European, 0.000085%; no homozygotes.

Submissions (4):

Color Diagnostics, LLC DBA Color Health
Classification: Uncertain significance for Hereditary cancer-predisposing syndrome. Last evaluated: 2025-12-10. Review status: criteria provided, single submitter. Criteria: ACMG Guidelines, 2015. Collection method: clinical testing. Allele origin: germline.
Comment: This missense variant replaces serine with asparagine at codon 2826 of the APC protein. Computational prediction suggests that this variant may not impact protein structure and function. To our knowledge, functional studies have not been reported for this variant. This variant has not been reported in individuals affected with APC-related disorders in the literature. This variant has been identified in 1/1608788 chromosomes in the general population by the Genome Aggregation Database (gnomAD). The available evidence is insufficient to determine the role of this variant in disease conclusively. Therefore, this variant is classified as a Variant of Uncertain Significance.

Labcorp Genetics (formerly Invitae), Labcorp
Classification: Uncertain significance for Familial adenomatous polyposis 1. Last evaluated: 2025-12-10. Review status: criteria provided, single submitter. Criteria: Invitae Variant Classification Sherloc (09022015). Collection method: clinical testing. Allele origin: germline.
Comment: This sequence change replaces serine, which is neutral and polar, with asparagine, which is neutral and polar, at codon 2826 of the APC protein (p.Ser2826Asn). This variant is present in population databases (rs587780609, gnomAD 0.007%). This variant has not been reported in the literature in individuals affected with APC-related conditions. ClinVar contains an entry for this variant (Variation ID: 135727). Invitae Evidence Modeling of protein sequence and biophysical properties (such as structural, functional, and spatial information, amino acid conservation, physicochemical variation, residue mobility, and thermodynamic stability) indicates that this missense variant is not expected to disrupt APC protein function with a negative predictive value of 95%. In summary, the available evidence is currently insufficient to determine the role of this variant in disease. Therefore, it has been classified as a Variant of Uncertain Significance.

Ambry Genetics
Classification: Uncertain significance for Hereditary cancer-predisposing syndrome. Last evaluated: 2024-02-23. Review status: criteria provided, single submitter. Criteria: Ambry Variant Classification Scheme 2023. Collection method: clinical testing. Allele origin: germline.
Comment: The p.S2826N variant (also known as c.8477G>A), located in coding exon 15 of the APC gene, results from a G to A substitution at nucleotide position 8477. The serine at codon 2826 is replaced by asparagine, an amino acid with highly similar properties. This amino acid position is not well conserved in available vertebrate species. In addition, in silico predictors for this gene do not accurately predict pathogenicity. Since supporting evidence is limited at this time, the clinical significance of this alteration remains unclear.

Baylor Genetics
Classification: Uncertain significance for Familial adenomatous polyposis 1. Last evaluated: 2023-09-07. Review status: criteria provided, single submitter. Criteria: ACMG Guidelines, 2015. Collection method: clinical testing. Allele origin: unknown.

NM_000038.6(APC):c.8477G>A (p.Ser2826Asn)

Gene: APC (APC regulator of Wnt signaling pathway; plus strand). Cytogenetic location: 5q22.2.
Variant type: single nucleotide variant.
Coding change: c.8477G>A on transcript NM_000038.6 (MANE Select); coding-DNA position 8477, G replaced by A.
Protein change: p.Ser2826Asn; replaces serine 2826 with asparagine.
Molecular consequence: missense variant.
Genome position (GRCh38, 1-based): chr5:112,844,071, G>A. VCF-style: chr5-112844071-G-A. GRCh37 (hg19) VCF-style: chr5-112179768-G-A.
Other names: c.8477G>A, p.Ser2826Asn (NM_001127510.3, NM_001354895.2); c.8423G>A, p.Ser2808Asn (NM_001127511.3); c.8531G>A, p.Ser2844Asn (NM_001354896.2); c.8507G>A, p.Ser2836Asn (NM_001354897.2); c.8402G>A, p.Ser2801Asn (NM_001354898.2); c.8393G>A, p.Ser2798Asn (NM_001354899.2); c.8354G>A, p.Ser2785Asn (NM_001354900.2); c.8300G>A, p.Ser2767Asn (NM_001354901.2); and 5 more; short protein forms S2826N, S2808N, S2700N, S2735N, S2785N, S2798N, S2767N, S2801N.
Identifiers: ClinVar variation 135727 (VCV000135727.16), dbSNP rs587780609, ClinGen allele CA015531.